The following is an entry in ClinVar:

ClinVar aggregate classification (germline): Uncertain significance (1 of 4 stars; one submission).

gnomAD v4.1: 5 of 1,613,022 alleles (0.00031%); highest among the groups gnomAD compares: Admixed American, 0.0017%; no homozygotes.

Submission:

Women's Health and Genetics/Laboratory Corporation of America, LabCorp
Classification: Uncertain significance. Last evaluated: 2024-11-06. Review status: criteria provided, single submitter. Criteria: LabCorp Variant Classification Summary - May 2015. Collection method: clinical testing. Allele origin: germline.
Comment: Variant summary: GLI2 c.3335C>G (p.Ala1112Gly) results in a non-conservative amino acid change in the encoded protein sequence. Four of five in-silico tools predict a benign effect of the variant on protein function. The variant was absent in 248810 control chromosomes. The available data on variant occurrences in the general population are insufficient to allow any conclusion about variant significance. To our knowledge, no occurrence of c.3335C>G in individuals affected with GLI2-Related Disorders and no experimental evidence demonstrating its impact on protein function have been reported. No submitters have cited clinical-significance assessments for this variant to ClinVar. Based on the evidence outlined above, the variant was classified as uncertain significance.

NM_001374353.1(GLI2):c.3284C>G (p.Ala1095Gly)

Gene: GLI2 (GLI family zinc finger 2; plus strand). Cytogenetic location: 2q14.2.
Variant type: single nucleotide variant.
Coding change: c.3284C>G on transcript NM_001374353.1 (MANE Select); coding-DNA position 3284, C replaced by G.
Protein change: p.Ala1095Gly; replaces alanine 1095 with glycine.
Molecular consequence: missense variant.
Genome position (GRCh38, 1-based): chr2:120,989,249, C>G. VCF-style: chr2-120989249-C-G. GRCh37 (hg19) VCF-style: chr2-121746825-C-G.
Other names: c.3335C>G, p.Ala1112Gly (NM_001371271.1, NM_005270.5); c.2909C>G, p.Ala970Gly (NM_001374354.1); short protein forms A1095G, A1112G, A970G.
Identifiers: ClinVar variation 3629808 (VCV003629808.1).